The following is an entry in ClinVar:

NM_021008.4(DEAF1):c.517+1G>T

Gene: DEAF1 (DEAF1 transcription factor; minus strand). Cytogenetic location: 11p15.5.
Variant type: single nucleotide variant.
Coding change: c.517+1G>T on transcript NM_021008.4 (MANE Select); the canonical splice donor site of the intron after coding-DNA position 517, G replaced by T.
Molecular consequence: splice donor variant. On other transcripts: intron variant (1).
Genome position (GRCh38, 1-based): chr11:688,330, C>A on the plus strand (G>T on the coding strand, the complement: DEAF1 is on the minus strand). VCF-style: chr11-688330-C-A. GRCh37 (hg19) VCF-style: chr11-688330-C-A.
Other names: c.-210+1G>T (NM_001367390.1, NM_001440887.1, NM_001440886.1); c.-209-273G>T (NM_001440885.1); c.517+1G>T (NM_001293634.2, NM_001440884.1, NM_001440883.1).
Identifiers: ClinVar variation 2018815 (VCV002018815.4), dbSNP rs2494457955, ClinGen allele CA378934692.

ClinVar aggregate classification (germline): Likely pathogenic (1 of 4 stars; one submission).

Submission:

Labcorp Genetics (formerly Invitae), Labcorp
Classification: Likely pathogenic. Last evaluated: 2023-08-17. Review status: criteria provided, single submitter. Criteria: Invitae Variant Classification Sherloc (09022015). Collection method: clinical testing. Allele origin: germline.
Comment: ClinVar contains an entry for this variant (Variation ID: 2018815). This variant has not been reported in the literature in individuals affected with DEAF1-related conditions. This variant is not present in population databases (gnomAD no frequency). This sequence change affects a donor splice site in intron 3 of the DEAF1 gene. It is expected to disrupt RNA splicing. Variants that disrupt the donor or acceptor splice site typically lead to a loss of protein function (PMID: 16199547), and loss-of-function variants in DEAF1 are known to be pathogenic (PMID: 30923367). Algorithms developed to predict the effect of sequence changes on RNA splicing suggest that this variant may disrupt the consensus splice site. In summary, the currently available evidence indicates that the variant is pathogenic, but additional data are needed to prove that conclusively. Therefore, this variant has been classified as Likely Pathogenic.

Literature cited by the submitters: PubMed 16199547; PubMed 30923367.